The following is an entry in ClinVar:

NM_001723.7(DST):c.7318C>T (p.Pro2440Ser)

Gene: DST (dystonin; minus strand). Cytogenetic location: 6p12.1.
Variant type: single nucleotide variant.
Coding change: c.7318C>T on transcript NM_001723.7 (MANE Plus Clinical); coding-DNA position 7318, C replaced by T.
Protein change: p.Pro2440Ser; replaces proline 2440 with serine.
Molecular consequence: missense variant. On other transcripts: intron variant (10).
Genome position (GRCh38, 1-based): chr6:56,616,149, G>A on the plus strand (C>T on the coding strand, the complement: DST is on the minus strand). VCF-style: chr6-56616149-G-A. GRCh37 (hg19) VCF-style: chr6-56480947-G-A.
Other names: c.4831-1665C>T (NM_001144769.5); c.4930-1665C>T (NM_001374722.1, NM_001374736.1); c.4957-1665C>T (NM_001374734.1); c.4417-1665C>T (NM_001144770.2); c.4297-1665C>T (NM_001374730.1, NM_001386100.1, NM_183380.4 and 1 more transcripts); c.3319-1665C>T (NM_015548.5); short protein forms P2440S.
Identifiers: ClinVar variation 2053464 (VCV002053464.4), dbSNP rs971049787, ClinGen allele CA139205344.

ClinVar aggregate classification (germline): Uncertain significance (1 of 4 stars; one submission).

Conditions:
Hereditary sensory and autonomic neuropathy type 6. Also called: Neuropathy, hereditary sensory and autonomic, type VI; HSAN VI. Identifiers: Orphanet 314381, MedGen C3539003, MONDO:0013839, OMIM 614653.
Epidermolysis bullosa simplex 3, localized or generalized intermediate, with BP230 deficiency (EBS3). Also called: Epidermolysis bullosa simplex, autosomal recessive 2; Epidermolysis bullosa simplex due to BP230 deficiency. Identifiers: Orphanet 412181, MedGen C3809470, MONDO:0014180, OMIM 615425.

Allele frequency attached by ClinVar (database versions not stated): gnomAD 0.00001.
gnomAD v4.1: 7 of 1,613,994 alleles (0.00043%); highest among the groups gnomAD compares: Non-Finnish European, 0.000085%; no homozygotes.

Submission:

Labcorp Genetics (formerly Invitae), Labcorp
Classification: Uncertain significance for Epidermolysis bullosa simplex 3, localized or generalized intermediate, with BP230 deficiency; Hereditary sensory and autonomic neuropathy type 6. Last evaluated: 2022-06-04. Review status: criteria provided, single submitter. Criteria: Invitae Variant Classification Sherloc (09022015). Collection method: clinical testing. Allele origin: germline.
Comment: This sequence change replaces proline, which is neutral and non-polar, with serine, which is neutral and polar, at codon 2440 of the DST protein (p.Pro2440Ser). This variant is present in population databases (no rsID available, gnomAD 0.009%). This variant has not been reported in the literature in individuals affected with DST-related conditions. Algorithms developed to predict the effect of missense changes on protein structure and function (SIFT, PolyPhen-2, Align-GVGD) all suggest that this variant is likely to be disruptive. In summary, the available evidence is currently insufficient to determine the role of this variant in disease. Therefore, it has been classified as a Variant of Uncertain Significance.